The following is an entry in ClinVar:

ClinVar aggregate classification (germline): Uncertain significance (1 of 4 stars; one submission).

Submission:

GeneDx
Classification: Uncertain significance. Last evaluated: 2024-04-26. Review status: criteria provided, single submitter. Criteria: GeneDx Variant Classification Process June 2021. Collection method: clinical testing. Allele origin: germline. Affected: yes.
Comment: Not observed at significant frequency in large population cohorts (gnomAD); In silico analysis indicates that this missense variant does not alter protein structure/function; Has not been previously published as pathogenic or benign to our knowledge

NM_015001.3(SPEN):c.4021G>T (p.Asp1341Tyr)

Gene: SPEN (spen family transcriptional repressor; plus strand). Cytogenetic location: 1p36.13.
Variant type: single nucleotide variant.
Coding change: c.4021G>T on transcript NM_015001.3 (MANE Select); coding-DNA position 4021, G replaced by T.
Protein change: p.Asp1341Tyr; replaces aspartic acid 1341 with tyrosine.
Molecular consequence: missense variant.
Genome position (GRCh38, 1-based): chr1:15,930,261, G>T. VCF-style: chr1-15930261-G-T. GRCh37 (hg19) VCF-style: chr1-16256756-G-T.
Other names: short protein forms D1341Y.
Identifiers: ClinVar variation 3373032 (VCV003373032.1).